The following is an entry in ClinVar:

NM_201384.3(PLEC):c.3972C>T (p.Ser1324=)

Gene: PLEC (plectin; minus strand). Cytogenetic location: 8q24.3.
Variant type: single nucleotide variant.
Coding change: c.3972C>T on transcript NM_201384.3 (MANE Select); coding-DNA position 3972, C replaced by T.
Protein change: p.Ser1324=; no amino-acid change (serine 1324 retained).
Molecular consequence: synonymous variant.
Genome position (GRCh38, 1-based): chr8:143,926,856, G>A on the plus strand (C>T on the coding strand, the complement: PLEC is on the minus strand). VCF-style: chr8-143926856-G-A. GRCh37 (hg19) VCF-style: chr8-145001024-G-A.
Other names: c.4053C>T, p.Ser1351= (NM_000445.5); c.3930C>T, p.Ser1310= (NM_201378.4); c.3906C>T, p.Ser1302= (NM_201379.3); c.4383C>T, p.Ser1461= (NM_201380.4); c.3876C>T, p.Ser1292= (NM_201381.3); c.3972C>T, p.Ser1324= (NM_201382.4); c.3984C>T, p.Ser1328= (NM_201383.3).
Identifiers: ClinVar variation 539001 (VCV000539001.23), dbSNP rs375565604, ClinGen allele CA4926820.

ClinVar aggregate classification (germline): Likely benign. Review status: criteria provided, multiple submitters, no conflicts (2 of 4 stars). 2 submissions from 2 submitters: Likely benign (2). Last evaluated 2026-02-24.

Conditions:
PLEC-related disorder. Also called: PLEC-related disorders; PLEC-related condition.
Epidermolysis bullosa simplex, Ogna type (EBS5A). Also called: Pidermolysis bullosa simplex 5A, Ogna type; EPIDERMOLYSIS BULLOSA SIMPLEX 5A, OGNA TYPE. Identifiers: Orphanet 79401, MedGen C0432317, MONDO:0007555, OMIM 131950.
Epidermolysis bullosa simplex 5B, with muscular dystrophy (EBS5B). Also called: Epidermolysis bullosa simplex with muscular dystrophy; EPIDERMOLYSIS BULLOSA SIMPLEX AND LIMB-GIRDLE MUSCULAR DYSTROPHY. Identifiers: Orphanet 257, MedGen C2931072, MONDO:0009181, OMIM 226670.
Epidermolysis bullosa simplex with nail dystrophy (EBS5D). Identifiers: MedGen C4225309, MONDO:0014661, OMIM 616487.
Autosomal recessive limb-girdle muscular dystrophy type 2Q (LGMDR17). Also called: MUSCULAR DYSTROPHY, LIMB-GIRDLE, AUTOSOMAL RECESSIVE 17. Identifiers: Orphanet 254361, MedGen C3150989, MONDO:0013390, OMIM 613723.
Epidermolysis bullosa simplex 5C, with pyloric atresia (EBS5C). Also called: PLEC-Related Epidermolysis Bullosa with Pyloric Atresia; Epidermolysis bullosa simplex with pyloric atresia; PLEC1-Related Epidermolysis Bullosa with Pyloric Atresia. Identifiers: Orphanet 158684, MedGen C2677349, MONDO:0012807, OMIM 612138.

Allele frequency attached by ClinVar (database versions not stated): gnomAD 0.00001; TOPMed 0.00002; ESP Exome Variant Server 0.00008.
gnomAD v4.1: 48 of 1,613,322 alleles (0.003%); highest among the groups gnomAD compares: Admixed American, 0.022%; no homozygotes.

Submissions (2):

PreventionGenetics, part of Exact Sciences
Classification: Likely benign for PLEC-related condition. Last evaluated: 2026-02-24. Review status: criteria provided, single submitter. Criteria: ACMG Guidelines, 2015. Collection method: clinical testing. Allele origin: germline.
Comment: This variant is classified as likely benign based on ACMG/AMP sequence variant interpretation guidelines (Richards et al. 2015 PMID: 25741868, with internal and published modifications).

Labcorp Genetics (formerly Invitae), Labcorp
Classification: Likely benign for Autosomal recessive limb-girdle muscular dystrophy type 2Q; Epidermolysis bullosa simplex, Ogna type; Epidermolysis bullosa simplex with nail dystrophy; Epidermolysis bullosa simplex 5C, with pyloric atresia; Epidermolysis bullosa simplex 5B, with muscular dystrophy. Last evaluated: 2025-09-09. Review status: criteria provided, single submitter. Criteria: Invitae Variant Classification Sherloc (09022015). Collection method: clinical testing. Allele origin: germline.